The following is an entry in ClinVar:

NM_000094.4(COL7A1):c.4238C>T (p.Pro1413Leu)

Gene: COL7A1 (collagen type VII alpha 1 chain; minus strand). Cytogenetic location: 3p21.31.
Variant type: single nucleotide variant.
Coding change: c.4238C>T on transcript NM_000094.4 (MANE Select); coding-DNA position 4238, C replaced by T.
Protein change: p.Pro1413Leu; replaces proline 1413 with leucine.
Molecular consequence: missense variant.
Genome position (GRCh38, 1-based): chr3:48,583,940, G>A on the plus strand (C>T on the coding strand, the complement: COL7A1 is on the minus strand). VCF-style: chr3-48583940-G-A. GRCh37 (hg19) VCF-style: chr3-48621373-G-A.
Other names: short protein forms P1413L.
Identifiers: ClinVar variation 1503700 (VCV001503700.8), dbSNP rs754627931, ClinGen allele CA352694277.

ClinVar aggregate classification (germline): Uncertain significance (1 of 4 stars; one submission).

Submission:

Labcorp Genetics (formerly Invitae), Labcorp
Classification: Uncertain significance. Last evaluated: 2021-01-19. Review status: criteria provided, single submitter. Criteria: Invitae Variant Classification Sherloc (09022015). Collection method: clinical testing. Allele origin: germline.
Comment: In summary, the available evidence is currently insufficient to determine the role of this variant in disease. Therefore, it has been classified as a Variant of Uncertain Significance. Advanced modeling of protein sequence and biophysical properties (such as structural, functional, and spatial information, amino acid conservation, physicochemical variation, residue mobility, and thermodynamic stability) performed at Invitae indicates that this missense variant is not expected to disrupt COL7A1 protein function. This variant has not been reported in the literature in individuals with COL7A1-related conditions. This variant is not present in population databases (ExAC no frequency). This sequence change replaces proline with leucine at codon 1413 of the COL7A1 protein (p.Pro1413Leu). The proline residue is moderately conserved and there is a moderate physicochemical difference between proline and leucine.